The following is an entry in ClinVar:

ClinVar aggregate classification (germline): Uncertain significance. Review status: criteria provided, multiple submitters, no conflicts (2 of 4 stars). 3 submissions from 3 submitters: Uncertain significance (3). Last evaluated 2024-03-07.

Conditions:
RECON progeroid syndrome (RECON). Identifiers: MedGen C5830504, MONDO:0957266, OMIM 620370.

Allele frequency attached by ClinVar (database versions not stated): gnomAD 0.00001 and 0.00002; gnomAD exomes 0.00001; ExAC 0.00002; TOPMed 0.00002.

Submissions (3):

Fulgent Genetics
Classification: Uncertain significance for RECON progeroid syndrome. Last evaluated: 2024-03-07. Review status: criteria provided, single submitter. Criteria: ACMG Guidelines, 2015. Collection method: clinical testing. Allele origin: germline.

Labcorp Genetics (formerly Invitae), Labcorp
Classification: Uncertain significance. Last evaluated: 2024-03-03. Review status: criteria provided, single submitter. Criteria: Invitae Variant Classification Sherloc (09022015). Collection method: clinical testing. Allele origin: germline.
Comment: This sequence change replaces asparagine, which is neutral and polar, with threonine, which is neutral and polar, at codon 622 of the RECQL protein (p.Asn622Thr). This variant is present in population databases (rs745427954, gnomAD 0.009%). This variant has not been reported in the literature in individuals affected with RECQL-related conditions. ClinVar contains an entry for this variant (Variation ID: 1379200). An algorithm developed to predict the effect of missense changes on protein structure and function (PolyPhen-2) suggests that this variant is likely to be tolerated. In summary, the available evidence is currently insufficient to determine the role of this variant in disease. Therefore, it has been classified as a Variant of Uncertain Significance.

Quest Diagnostics Nichols Institute San Juan Capistrano
Classification: Uncertain significance. Last evaluated: 2023-03-17. Review status: criteria provided, single submitter. Criteria: Quest Diagnostics criteria. Collection method: clinical testing. Allele origin: unknown.
Comment: The variant has not been reported in the published literature. The frequency of this variant in the general population, 0.000092 (3/32718 chromosomes), is uninformative in assessment of its pathogenicity. Analysis of this variant using bioinformatics tools for the prediction of the effect of amino acid changes on protein structure and function yielded predictions that this variant is benign. Based on the available information, we are unable to determine the clinical significance of this variant.

NM_002907.4(RECQL):c.1865A>C (p.Asn622Thr)

Genes: PYROXD1 (pyridine nucleotide-disulphide oxidoreductase domain 1; plus strand), RECQL (RecQ like helicase; minus strand). Cytogenetic location: 12p12.1.
Variant type: single nucleotide variant.
Coding change: c.1865A>C on transcript NM_002907.4 (MANE Select); coding-DNA position 1865, A replaced by C.
Protein change: p.Asn622Thr; replaces asparagine 622 with threonine.
Molecular consequence: missense variant. On other transcripts: 3 prime UTR variant (3).
Genome position (GRCh38, 1-based): chr12:21,470,279, T>G on the plus strand (A>C on the coding strand, the complement: RECQL is on the minus strand). VCF-style: chr12-21470279-T-G. GRCh37 (hg19) VCF-style: chr12-21623213-T-G.
Other names: c.1865A>C, p.Asn622Thr (NM_032941.3); c.*1525T>G (NM_001350912.2, NM_001350913.2, NM_024854.5); short protein forms N622T.
Identifiers: ClinVar variation 1379200 (VCV001379200.10), dbSNP rs745427954, ClinGen allele CA6478597.